The following is an entry in ClinVar:

ClinVar aggregate classification (germline): Uncertain significance (1 of 4 stars; one submission).

Conditions:
Medulloblastoma (MDB). Also called: MEDULLOBLASTOMA PREDISPOSITION SYNDROME; Medulloblastoma, somatic. Identifiers: Orphanet 616, MedGen C0025149, MeSH D008527, MONDO:0007959, OMIM 155255, HP:0002885.
Gorlin syndrome. Also called: Nevoid Basal Cell Carcinoma Syndrome; Basal cell nevus syndrome. Identifiers: Orphanet 377, MedGen C0004779, MONDO:0007187.

Submission:

Labcorp Genetics (formerly Invitae), Labcorp
Classification: Uncertain significance for Gorlin syndrome; Medulloblastoma. Last evaluated: 2025-11-01. Review status: criteria provided, single submitter. Criteria: Invitae Variant Classification Sherloc (09022015). Collection method: clinical testing. Allele origin: germline.
Comment: This sequence change replaces isoleucine, which is neutral and non-polar, with threonine, which is neutral and polar, at codon 381 of the SUFU protein (p.Ile381Thr). This variant is not present in population databases (gnomAD no frequency). This variant has not been reported in the literature in individuals affected with SUFU-related conditions. ClinVar contains an entry for this variant (Variation ID: 1053072). Invitae Evidence Modeling of protein sequence and biophysical properties (such as structural, functional, and spatial information, amino acid conservation, physicochemical variation, residue mobility, and thermodynamic stability) indicates that this missense variant is not expected to disrupt SUFU protein function with a negative predictive value of 80%. In summary, the available evidence is currently insufficient to determine the role of this variant in disease. Therefore, it has been classified as a Variant of Uncertain Significance.

NM_016169.4(SUFU):c.1142T>C (p.Ile381Thr)

Gene: SUFU (SUFU negative regulator of hedgehog signaling; plus strand). Cytogenetic location: 10q24.32.
Variant type: single nucleotide variant.
Coding change: c.1142T>C on transcript NM_016169.4 (MANE Select); coding-DNA position 1142, T replaced by C.
Protein change: p.Ile381Thr; replaces isoleucine 381 with threonine.
Molecular consequence: missense variant.
Genome position (GRCh38, 1-based): chr10:102,615,387, T>C. VCF-style: chr10-102615387-T-C. GRCh37 (hg19) VCF-style: chr10-104375144-T-C.
Other names: c.1142T>C, p.Ile381Thr (NM_001178133.2); short protein forms I381T.
Identifiers: ClinVar variation 1053072 (VCV001053072.9), dbSNP rs2135930458, ClinGen allele CA377914524.
Genomic context (GRCh38, chr10:102,615,387, plus strand): 5'-TTCGCACGCGGCAGCTTGAGAGCGTACATCTGAAATTCAACCAGGAGTCCGGAGCCCTCA[T>C]TCCTCTCTGCCTAAGGTGAGCGAGACAGCCCTGCCACACAGTTTACCCCACAGCACCCAG-3'
Protein context (NP_057253.2, residues 371-391): LKFNQESGAL[Ile381Thr]PLCLRGRLLH